The following is an entry in ClinVar:

ClinVar aggregate classification (germline): Benign/Likely benign. Review status: criteria provided, multiple submitters, no conflicts (2 of 4 stars). 4 submissions from 4 submitters: Benign (1); Likely benign (3). Last evaluated 2026-09-01.

Allele frequency attached by ClinVar (database versions not stated): 1000 Genomes Project 0.00060; 1000 Genomes Project 30x 0.00078; TOPMed 0.00170; ESP Exome Variant Server 0.00224; gnomAD exomes 0.00344 and 0.00345; ExAC 0.00426.
gnomAD v4.1: 5,202 of 1,539,652 alleles (0.34%); highest among the groups gnomAD compares: Non-Finnish European, 0.34%; 18 homozygotes.

Submissions (4):

CeGaT Center for Human Genetics Tuebingen
Classification: Likely benign. Last evaluated: 2026-09-01. Review status: criteria provided, single submitter. Criteria: CeGaT Center For Human Genetics Tuebingen Variant Classification Criteria Version 2. Collection method: clinical testing. Allele origin: germline. Affected: yes. Observed: 14 variant alleles.
Comment: KDM4B: BP4, BP7, BS2

Blueprint Genetics
Classification: Likely benign. Last evaluated: 2024-11-27. Review status: criteria provided, single submitter. Criteria: ACMG Guidelines, 2015. Collection method: clinical testing. Allele origin: germline.

Labcorp Genetics (formerly Invitae), Labcorp
Classification: Benign. Last evaluated: 2019-12-31. Review status: criteria provided, single submitter. Criteria: Invitae Variant Classification Sherloc (09022015). Collection method: clinical testing. Allele origin: germline.

Breakthrough Genomics
Classification: Likely benign. Review status: criteria provided, single submitter. Criteria: ACMG Guidelines, 2015. Collection method: not provided. Allele origin: germline. Inheritance: Autosomal dominant inheritance. Affected: yes.

NM_015015.3(KDM4B):c.1377C>T (p.Phe459=)

Gene: KDM4B (lysine demethylase 4B; plus strand). Cytogenetic location: 19p13.3.
Variant type: single nucleotide variant.
Coding change: c.1377C>T on transcript NM_015015.3 (MANE Select); coding-DNA position 1377, C replaced by T.
Protein change: p.Phe459=; no amino-acid change (phenylalanine 459 retained).
Molecular consequence: synonymous variant.
Genome position (GRCh38, 1-based): chr19:5,131,137, C>T. VCF-style: chr19-5131137-C-T. GRCh37 (hg19) VCF-style: chr19-5131148-C-T.
Identifiers: ClinVar variation 710770 (VCV000710770.37), dbSNP rs113584294, ClinGen allele CA9107819.